The following is an entry in ClinVar:

ClinVar aggregate classification (germline): Benign/Likely benign. Review status: criteria provided, multiple submitters, no conflicts (2 of 4 stars). 4 submissions from 4 submitters: Benign (2); Likely benign (2). Last evaluated 2025-08-29.

Conditions:
Inborn genetic diseases. Identifiers: MedGen C0950123, MeSH D030342.
Intellectual developmental disorder, X-linked 1. Also called: Atkin Flaitz Patil Smith syndrome; MENTAL RETARDATION, X-LINKED 18; MENTAL RETARDATION, X-LINKED 78; Intellectual disability, X-linked 1. Identifiers: Orphanet 777, MedGen C2931498, MONDO:0010656, OMIM 309530.

Allele frequency attached by ClinVar (database versions not stated): gnomAD 0.00004 and 0.00005; 1000 Genomes Project 0.00053; TOPMed 0.00003; ExAC 0.00009; 1000 Genomes Project 30x 0.00062; gnomAD exomes 0.00002 and 0.00007.
gnomAD v4.1: 27 of 1,208,865 alleles (0.0022%); highest among the groups gnomAD compares: East Asian, 0.05%; no homozygotes.

Submissions (4):

Labcorp Genetics (formerly Invitae), Labcorp
Classification: Benign for Intellectual developmental disorder, X-linked 1. Last evaluated: 2025-08-29. Review status: criteria provided, single submitter. Criteria: Invitae Variant Classification Sherloc (09022015). Collection method: clinical testing. Allele origin: germline.

CeGaT Center for Human Genetics Tuebingen
Classification: Likely benign. Last evaluated: 2025-04-01. Review status: criteria provided, single submitter. Criteria: CeGaT Center For Human Genetics Tuebingen Variant Classification Criteria Version 2. Collection method: clinical testing. Allele origin: germline. Affected: yes. Observed: 1 variant allele.
Comment: IQSEC2: BP4, BP7, BS2

GeneDx
Classification: Benign. Last evaluated: 2021-03-02. Review status: criteria provided, single submitter. Criteria: GeneDx Variant Classification Process June 2021. Collection method: clinical testing. Allele origin: germline. Affected: yes.

Ambry Genetics
Classification: Likely benign for Inborn genetic diseases. Last evaluated: 2018-06-20. Review status: criteria provided, single submitter. Criteria: Ambry Variant Classification Scheme 2023. Collection method: clinical testing. Allele origin: germline.

NM_001111125.3(IQSEC2):c.2937C>T (p.Tyr979=)

Gene: IQSEC2 (IQ motif and Sec7 domain ArfGEF 2; minus strand). Cytogenetic location: Xp11.22.
Variant type: single nucleotide variant.
Coding change: c.2937C>T on transcript NM_001111125.3 (MANE Select); coding-DNA position 2937, C replaced by T.
Protein change: p.Tyr979=; no amino-acid change (tyrosine 979 retained).
Molecular consequence: synonymous variant.
Genome position (GRCh38, 1-based): chrX:53,241,862, G>A on the plus strand (C>T on the coding strand, the complement: IQSEC2 is on the minus strand). VCF-style: chrX-53241862-G-A. GRCh37 (hg19) VCF-style: chrX-53271044-G-A.
Other names: c.2322C>T, p.Tyr774= (NM_015075.2).
Identifiers: ClinVar variation 1296732 (VCV001296732.14), dbSNP rs191305900, ClinGen allele CA10419873.
Genomic context (GRCh38, chrX:53,241,862, plus strand): 5'-GAGGAAGACCTCCCGCTGATGCAACCCTAGCCTCTGGGGGCGGTTTGGATCTGGCACCTC[G>A]TAGAGCTGGCAGCAGCAAACCAGTCGACGGTGAGGGAGAGACAGGACCTAGACAGGCATG-3'
Protein context (NP_001104595.1, residues 969-989): HRRLVCCCQL[Tyr979=]EVPDPNRPQR